The following is an entry in ClinVar:

NM_001492.6(GDF1):c.985C>T (p.Pro329Ser)

Genes: GDF1 (growth differentiation factor 1; minus strand), CERS1 (ceramide synthase 1; minus strand). Cytogenetic location: 19p13.11.
Variant type: single nucleotide variant.
Coding change: c.985C>T on transcript NM_001492.6 (MANE Select); coding-DNA position 985, C replaced by T.
Protein change: p.Pro329Ser; replaces proline 329 with serine.
Molecular consequence: missense variant. On other transcripts: 3 prime UTR variant (2).
Genome position (GRCh38, 1-based): chr19:18,868,731, G>A on the plus strand (C>T on the coding strand, the complement: GDF1 is on the minus strand). VCF-style: chr19-18868731-G-A. GRCh37 (hg19) VCF-style: chr19-18979540-G-A.
Other names: c.985C>T (NM_001492.4); c.*1846C>T (NM_001387440.1); c.*1254C>T (NM_021267.5); c.985C>T, p.Pro329Ser (NM_001387438.1); short protein forms P329S.
Identifiers: ClinVar variation 471940 (VCV000471940.15), dbSNP rs760908706, ClinGen allele CA9317911.

ClinVar aggregate classification (germline): Uncertain significance. Review status: criteria provided, multiple submitters, no conflicts (2 of 4 stars). 5 submissions from 5 submitters: Uncertain significance (5). Last evaluated 2026-02-02.

Conditions:
GDF1-related disorder. Also called: GDF1-related condition.

Allele frequency attached by ClinVar (database versions not stated): ExAC below 0.00001; gnomAD 0.00004; gnomAD exomes 0.00008; TOPMed 0.00008; 1000 Genomes Project 30x 0.00031.
gnomAD v4.1: 125 of 1,534,320 alleles (0.0081%); highest among the groups gnomAD compares: East Asian, 0.068%; no homozygotes.

Submissions (5):

Women's Health and Genetics/Laboratory Corporation of America, LabCorp
Classification: Uncertain significance. Last evaluated: 2026-02-02. Review status: criteria provided, single submitter. Criteria: LabCorp Variant Classification Summary - May 2015. Collection method: clinical testing. Allele origin: germline.
Comment: Variant summary: GDF1 c.985C>T (p.Pro329Ser) results in a non-conservative amino acid change in the encoded protein sequence. Algorithms developed to predict the effect of missense changes on protein structure and function all suggest that this variant is likely to be disruptive. The variant allele was found at a frequency of 7.8e-05 in 141194 control chromosomes. The observed variant frequency exceeds the estimated maximal expected allele frequency for disease-causing variants in GDF1. However, c.985C>T has been observed in individuals affected with clinical features of GDF1-related conditions (e.g. Tu_2025, Internal data). These report(s) do not provide unequivocal conclusions about association of the variant with Congenital Heart Disease. To our knowledge, no experimental evidence demonstrating an impact on protein function has been reported. The following publication has been ascertained in the context of this evaluation (PMID: 41153298). ClinVar contains an entry for this variant (Variation ID: 471940). Based on the evidence outlined above, the variant was classified as uncertain significance.

Ambry Genetics
Classification: Uncertain significance. Last evaluated: 2025-08-06. Review status: criteria provided, single submitter. Criteria: Ambry Variant Classification Scheme 2023. Collection method: clinical testing. Allele origin: germline.

PreventionGenetics, part of Exact Sciences
Classification: Uncertain significance for GDF1-related condition. Last evaluated: 2023-05-24. Review status: criteria provided, single submitter. Criteria: ACMG Guidelines, 2015. Collection method: clinical testing. Allele origin: germline.
Comment: The GDF1 c.985C>T variant is predicted to result in the amino acid substitution p.Pro329Ser. To our knowledge, this variant has not been reported in the literature. This variant is reported in 0.033% of alleles in individuals of East Asian descent in gnomAD. At this time, the clinical significance of this variant is uncertain due to the absence of conclusive functional and genetic evidence.

Labcorp Genetics (formerly Invitae), Labcorp
Classification: Uncertain significance. Last evaluated: 2021-08-13. Review status: criteria provided, single submitter. Criteria: Invitae Variant Classification Sherloc (09022015). Collection method: clinical testing. Allele origin: germline.
Comment: This sequence change replaces proline with serine at codon 329 of the GDF1 protein (p.Pro329Ser). The proline residue is highly conserved and there is a moderate physicochemical difference between proline and serine. The frequency data for this variant in the population databases is considered unreliable, as metrics indicate poor data quality at this position in the ExAC database. This missense change has been observed in individual(s) with clinical features of GDF1-related conditions (Invitae). Algorithms developed to predict the effect of missense changes on protein structure and function (SIFT, PolyPhen-2, Align-GVGD) all suggest that this variant is likely to be disruptive. In summary, the available evidence is currently insufficient to determine the role of this variant in disease. Therefore, it has been classified as a Variant of Uncertain Significance.

Revvity Omics, Revvity
Classification: Uncertain significance. Last evaluated: 2021-03-15. Review status: criteria provided, single submitter. Criteria: ACMG Guidelines, 2015. Collection method: clinical testing. Allele origin: germline.

Literature cited by the submitters: PubMed 41153298 (cited by Women's Health and Genetics/Laboratory Corporation of America, LabCorp).